The following is an entry in ClinVar:

ClinVar aggregate classification (germline): Uncertain significance (1 of 4 stars; one submission).

Conditions:
Ehlers-Danlos syndrome, type 4 (EDSVASC). Also called: Ehlers-Danlos Syndrome Type IV; Ehlers-Danlos syndrome vascular type; Ehlers Danlos syndrome, ecchymotic type; Ehlers Danlos syndrome, arterial type; Ehlers Danlos syndrome, Sack-Barabas type. Identifiers: Orphanet 286, MedGen C0268338, MONDO:0017314, OMIM 130050.

gnomAD v4.1: 6 of 1,613,102 alleles (0.00037%); highest among the groups gnomAD compares: African/African-American, 0.008%; no homozygotes.

Submission:

All of Us Research Program, National Institutes of Health
Classification: Uncertain significance for Ehlers-Danlos syndrome, type 4. Last evaluated: 2023-12-01. Review status: criteria provided, single submitter. Criteria: ACMG Guidelines, 2015. Collection method: clinical testing. Allele origin: germline. Inheritance: Autosomal dominant inheritance. Observed: 1 variant allele, 1 heterozygote.
Comment: This study involves interpretation of variants in research participants for the purpose of population health screening. Participant phenotype was not available at the time of variant classification. Additional details can be found in publication PMID: 35346344, PMCID: PMC8962531

NM_000090.4(COL3A1):c.1976C>A (p.Pro659Gln)

Gene: COL3A1 (collagen type III alpha 1 chain; plus strand). Cytogenetic location: 2q32.2.
Variant type: single nucleotide variant.
Coding change: c.1976C>A on transcript NM_000090.4 (MANE Select); coding-DNA position 1976, C replaced by A.
Protein change: p.Pro659Gln; replaces proline 659 with glutamine.
Molecular consequence: missense variant.
Genome position (GRCh38, 1-based): chr2:188,998,318, C>A. VCF-style: chr2-188998318-C-A. GRCh37 (hg19) VCF-style: chr2-189863044-C-A.
Other names: short protein forms P659Q.
Identifiers: ClinVar variation 3074671 (VCV003074671.1), dbSNP rs756822808, ClinGen allele CA62599472.